The following is an entry in ClinVar:

NM_000038.6(APC):c.229T>C (p.Leu77=)

Gene: APC (APC regulator of Wnt signaling pathway; plus strand). Cytogenetic location: 5q22.2.
Variant type: single nucleotide variant.
Coding change: c.229T>C on transcript NM_000038.6 (MANE Select); coding-DNA position 229, T replaced by C.
Protein change: p.Leu77=; no amino-acid change (leucine 77 retained).
Molecular consequence: synonymous variant. On other transcripts: 5 prime UTR variant (4), non-coding transcript variant (2).
Genome position (GRCh38, 1-based): chr5:112,767,197, T>C. VCF-style: chr5-112767197-T-C. GRCh37 (hg19) VCF-style: chr5-112102894-T-C.
Other names: c.229T>C, p.Leu77= (NM_001127510.3, NM_001354895.2, NM_001354896.2 and 16 more transcripts); c.259T>C, p.Leu87= (NM_001127511.3, NM_001354897.2, NM_001354902.2 and 1 more transcripts); c.154T>C, p.Leu52= (NM_001354898.2, NM_001354904.2, NM_001407451.1); c.52T>C, p.Leu18= (NM_001354900.2, NM_001354901.2, NM_001354905.2 and 1 more transcripts); c.-807T>C (NM_001354906.2, NM_001407470.1, NM_001407471.1 and 1 more transcripts).
Identifiers: ClinVar variation 3147985 (VCV003147985.1), dbSNP rs1756429303, ClinGen allele CA445753090.
Genomic context (GRCh38, chr5:112,767,197, plus strand): 5'-TTAGACTGCTTAAAGCAATTGTTGTATAAAAACTTGTTTCTATTTTATTTAGAGCTTAAC[T>C]TAGATAGCAGTAATTTCCCTGGAGTAAAACTGCGGTCAAAAATGTCCCTCCGTTCTTATG-3'
Protein context (NP_000029.2, residues 67-87): DLLERLKELN[Leu77=]DSSNFPGVKL

ClinVar aggregate classification (germline): Benign (1 of 4 stars; one submission).

Conditions:
Familial adenomatous polyposis 1 (FAP1). Also called: POLYPOSIS, ADENOMATOUS INTESTINAL; FAMILIAL ADENOMATOUS POLYPOSIS 1, ATTENUATED. Identifiers: MedGen C2713442, MONDO:0021056, OMIM 175100. Disease mechanism: loss of function.

Submission:

Myriad Genetics, Inc.
Classification: Benign for Familial adenomatous polyposis 1. Last evaluated: 2024-02-22. Review status: criteria provided, single submitter. Criteria: Myriad Autosomal Dominant, Autosomal Recessive and X-Linked Classification Criteria (2023). Collection method: clinical testing. Allele origin: unknown.
Comment: This variant is considered benign. This variant is a silent/synonymous amino acid change and it is not expected to impact splicing.